The following is an entry in ClinVar:

ClinVar aggregate classification (germline): Uncertain significance. Review status: criteria provided, multiple submitters, no conflicts (2 of 4 stars). 2 submissions from 2 submitters: Uncertain significance (2). Last evaluated 2023-01-24.

Conditions:
Hereditary cancer-predisposing syndrome. Also called: Hereditary Cancer Syndrome; Hereditary neoplastic syndrome; Neoplastic Syndromes, Hereditary; Tumor predisposition. Identifiers: Orphanet 140162, MedGen C0027672, MeSH D009386, MONDO:0015356.

Submissions (2):

Labcorp Genetics (formerly Invitae), Labcorp
Classification: Uncertain significance for Hereditary cancer-predisposing syndrome. Last evaluated: 2023-01-24. Review status: criteria provided, single submitter. Criteria: Invitae Variant Classification Sherloc (09022015). Collection method: clinical testing. Allele origin: germline.
Comment: This sequence change replaces leucine, which is neutral and non-polar, with methionine, which is neutral and non-polar, at codon 566 of the RAD50 protein (p.Leu566Met). This variant is not present in population databases (gnomAD no frequency). This variant has not been reported in the literature in individuals affected with RAD50-related conditions. ClinVar contains an entry for this variant (Variation ID: 408391). Advanced modeling of protein sequence and biophysical properties (such as structural, functional, and spatial information, amino acid conservation, physicochemical variation, residue mobility, and thermodynamic stability) has been performed at Invitae for this missense variant, however the output from this modeling did not meet the statistical confidence thresholds required to predict the impact of this variant on RAD50 protein function. In summary, the available evidence is currently insufficient to determine the role of this variant in disease. Therefore, it has been classified as a Variant of Uncertain Significance.

Ambry Genetics
Classification: Uncertain significance for Hereditary cancer-predisposing syndrome. Last evaluated: 2018-11-02. Review status: criteria provided, single submitter. Criteria: Ambry Variant Classification Scheme 2023. Collection method: clinical testing. Allele origin: germline.
Comment: The p.L566M variant (also known as c.1696C>A), located in coding exon 11 of the RAD50 gene, results from a C to A substitution at nucleotide position 1696. The leucine at codon 566 is replaced by methionine, an amino acid with highly similar properties. This amino acid position is highly conserved in available vertebrate species. In addition, the in silico prediction for this alteration is inconclusive. Since supporting evidence is limited at this time, the clinical significance of this alteration remains unclear.

NM_005732.4(RAD50):c.1696C>A (p.Leu566Met)

Gene: RAD50 (RAD50 double strand break repair protein; plus strand). Cytogenetic location: 5q31.1.
Variant type: single nucleotide variant.
Coding change: c.1696C>A on transcript NM_005732.4 (MANE Select); coding-DNA position 1696, C replaced by A.
Protein change: p.Leu566Met; replaces leucine 566 with methionine.
Molecular consequence: missense variant.
Genome position (GRCh38, 1-based): chr5:132,591,937, C>A. VCF-style: chr5-132591937-C-A. GRCh37 (hg19) VCF-style: chr5-131927629-C-A.
Other names: short protein forms L566M.
Identifiers: ClinVar variation 408391 (VCV000408391.16), dbSNP rs1060501961, ClinGen allele CA16611961.